The following is an entry in ClinVar:

ClinVar aggregate classification (germline): Uncertain significance (1 of 4 stars; one submission).

Conditions:
Hereditary cancer-predisposing syndrome. Also called: Neoplastic Syndromes, Hereditary; Tumor predisposition; Hereditary Cancer Syndrome; Hereditary neoplastic syndrome. Identifiers: Orphanet 140162, MedGen C0027672, MeSH D009386, MONDO:0015356.

Submission:

Ambry Genetics
Classification: Uncertain significance for Hereditary cancer-predisposing syndrome. Last evaluated: 2022-03-24. Review status: criteria provided, single submitter. Criteria: Ambry Variant Classification Scheme 2023. Collection method: clinical testing. Allele origin: germline.
Comment: The p.S624R variant (also known as c.1870A>C), located in coding exon 12 of the RAD50 gene, results from an A to C substitution at nucleotide position 1870. The serine at codon 624 is replaced by arginine, an amino acid with dissimilar properties. This amino acid position is conserved. In addition, this alteration is predicted to be tolerated by in silico analysis. Since supporting evidence is limited at this time, the clinical significance of this alteration remains unclear.

NM_005732.4(RAD50):c.1870A>C (p.Ser624Arg)

Gene: RAD50 (RAD50 double strand break repair protein; plus strand). Cytogenetic location: 5q31.1.
Variant type: single nucleotide variant.
Coding change: c.1870A>C on transcript NM_005732.4 (MANE Select); coding-DNA position 1870, A replaced by C.
Protein change: p.Ser624Arg; replaces serine 624 with arginine.
Molecular consequence: missense variant.
Genome position (GRCh38, 1-based): chr5:132,594,945, A>C. VCF-style: chr5-132594945-A-C. GRCh37 (hg19) VCF-style: chr5-131930637-A-C.
Other names: short protein forms S624R.
Identifiers: ClinVar variation 1781678 (VCV001781678.2), dbSNP rs1750762993, ClinGen allele CA360947860.
Genomic context (GRCh38, chr5:132,594,945, plus strand): 5'-TCTGAGCAGAATAAAAATCATATAAATAATGAACTAAAAAGAAAGGAAGAGCAGTTGTCC[A>C]GTTACGAAGACAAGCTGTTTGATGTTTGTGGTAGCCAGGATTTTGAAAGTGATTTAGACA-3'
Protein context (NP_005723.2, residues 614-634): ELKRKEEQLS[Ser624Arg]YEDKLFDVCG